The following is an entry in ClinVar:

NM_000179.3(MSH6):c.1308_1309del (p.Tyr436_His437delinsTer)

Gene: MSH6 (mutS homolog 6; plus strand). Cytogenetic location: 2p16.3.
Variant type: Deletion.
Coding change: c.1308_1309del on transcript NM_000179.3 (MANE Select); coding-DNA positions 1308 to 1309, 2 bases deleted (CC; older notation c.1308_1309delCC).
Protein change: p.Tyr436_His437delinsTer.
Molecular consequence: nonsense. On other transcripts: non-coding transcript variant (4), intron variant (1).
Genome position (GRCh38, 1-based): chr2:47,799,291-47,799,292, CC deleted. VCF-style (leftmost placement, unchanged base first): chr2-47799290-ACC-A. GRCh37 (hg19) VCF-style: chr2-48026429-ACC-A.
Other names: c.918_919del, p.Tyr306_His307delinsTer (NM_001281492.2); c.402_403del, p.Tyr134_His135delinsTer (NM_001281493.2, NM_001281494.2, NM_001406811.1 and 6 more transcripts); c.1404_1405del, p.Tyr468_His469delinsTer (NM_001406795.1, NM_001406802.1); c.1308_1309del, p.Tyr436_His437delinsTer (NM_001406796.1, NM_001406798.1, NM_001406800.1 and 4 more transcripts); c.1011_1012del, p.Tyr337_His338delinsTer (NM_001406797.1, NM_001406801.1, NM_001406805.1 and 10 more transcripts); c.783_784del, p.Tyr261_His262delinsTer (NM_001406799.1, NM_001406806.1, NM_001406807.1); c.1230_1231del, p.Tyr410_His411delinsTer (NM_001406804.1); c.1314_1315del, p.Tyr438_His439delinsTer (NM_001406813.1); and 2 more.
Identifiers: ClinVar variation 2673597 (VCV002673597.1), dbSNP rs2530602238, ClinGen allele CA2695200568.
Genomic context (GRCh38, chr2:47,799,290, plus strand): 5'-TTAAGTCTCAGAACTTTGATCTTGTCATCTGTTACAAGGTGGGGAAATTTTATGAGCTGT[ACC>A]ACATGGATGCTCTTATTGGAGTCAGTGAACTGGGGCTGGTATTCATGAAAGGCAACTGGG-3'

ClinVar aggregate classification (germline): Pathogenic (1 of 4 stars; one submission).

Conditions:
Lynch syndrome 5 (LYNCH5). Also called: Colorectal cancer, hereditary nonpolyposis, type 5; Hereditary non-polyposis colorectal cancer, type 5. Identifiers: Orphanet 144, MedGen C1833477, MONDO:0013710, OMIM 614350. Disease mechanism: loss of function.

Submission:

Myriad Genetics, Inc.
Classification: Pathogenic for Lynch syndrome 5. Last evaluated: 2023-08-11. Review status: criteria provided, single submitter. Criteria: Myriad Autosomal Dominant, Autosomal Recessive and X-Linked Classification Criteria (2023). Collection method: clinical testing. Allele origin: unknown.
Comment: This variant is considered pathogenic. This variant creates a termination codon and is predicted to result in premature protein truncation.